The following is an entry in ClinVar:

ClinVar aggregate classification (germline): Likely benign. Review status: criteria provided, multiple submitters, no conflicts (2 of 4 stars). 3 submissions from 3 submitters: Likely benign (2). 1 of the submissions does not count toward it. Last evaluated 2025-06-27.

Conditions:
CREBBP-related disorder. Also called: CREBBP-related condition; CREBBP-related disorders.
Rubinstein-Taybi syndrome (RSTS). Identifiers: Orphanet 783, MedGen C0035934, MONDO:0019188.
Inborn genetic diseases. Identifiers: MedGen C0950123, MeSH D030342.

gnomAD v4.1: 16 of 1,614,114 alleles (0.00099%); highest among the groups gnomAD compares: Admixed American, 0.018%; no homozygotes.

Submissions (3):

Labcorp Genetics (formerly Invitae), Labcorp
Classification: Likely benign for Rubinstein-Taybi syndrome. Last evaluated: 2025-06-27. Review status: criteria provided, single submitter. Criteria: Invitae Variant Classification Sherloc (09022015). Collection method: clinical testing. Allele origin: germline.

Ambry Genetics
Classification: Likely benign for Inborn genetic diseases. Last evaluated: 2018-04-02. Review status: criteria provided, single submitter. Criteria: Ambry Variant Classification Scheme 2023. Collection method: clinical testing. Allele origin: germline.

PreventionGenetics, part of Exact Sciences
Classification: Likely benign for CREBBP-related condition. Last evaluated: 2024-07-07. Review status: no assertion criteria provided. Collection method: clinical testing. Allele origin: germline. Not counted in ClinVar's aggregate classification.
Comment: This variant is classified as likely benign based on ACMG/AMP sequence variant interpretation guidelines (Richards et al. 2015 PMID: 25741868, with internal and published modifications).

NM_004380.3(CREBBP):c.3234G>A (p.Ser1078=)

Gene: CREBBP (CREB binding lysine acetyltransferase; minus strand). Cytogenetic location: 16p13.3.
Variant type: single nucleotide variant.
Coding change: c.3234G>A on transcript NM_004380.3 (MANE Select); coding-DNA position 3234, G replaced by A.
Protein change: p.Ser1078=; no amino-acid change (serine 1078 retained).
Molecular consequence: synonymous variant.
Genome position (GRCh38, 1-based): chr16:3,767,736, C>T on the plus strand (G>A on the coding strand, the complement: CREBBP is on the minus strand). VCF-style: chr16-3767736-C-T. GRCh37 (hg19) VCF-style: chr16-3817737-C-T.
Other names: c.3120G>A, p.Ser1040= (NM_001079846.1).
Identifiers: ClinVar variation 1729226 (VCV001729226.4), dbSNP rs1482660588, ClinGen allele CA493286977.